The following is an entry in ClinVar:

NM_020822.3(KCNT1):c.326A>T (p.Gln109Leu)

Gene: KCNT1 (potassium sodium-activated channel subfamily T member 1; plus strand). Cytogenetic location: 9q34.3.
Variant type: single nucleotide variant.
Coding change: c.326A>T on transcript NM_020822.3 (MANE Select); coding-DNA position 326, A replaced by T.
Protein change: p.Gln109Leu; replaces glutamine 109 with leucine.
Molecular consequence: missense variant.
Genome position (GRCh38, 1-based): chr9:135,750,169, A>T. VCF-style: chr9-135750169-A-T. GRCh37 (hg19) VCF-style: chr9-138642015-A-T.
Other names: c.182A>T, p.Gln61Leu (NM_001272003.2); short protein forms Q109L, Q61L.
Identifiers: ClinVar variation 4789041 (VCV004789041.1).

ClinVar aggregate classification (germline): Uncertain significance (1 of 4 stars; one submission).

Conditions:
Autosomal dominant nocturnal frontal lobe epilepsy 5. Also called: CILIARY DYSKINESIA, PRIMARY, 28, WITHOUT SITUS INVERSUS; CILIARY DYSKINESIA, PRIMARY, 28, WITH SITUS INVERSUS; KCNT1-Related Epilepsy; Epilepsy, nocturnal frontal lobe, 5. Identifiers: Orphanet 98784, MedGen C3554306, MONDO:0014002, OMIM 615005.
Developmental and epileptic encephalopathy, 14 (DEE14). Also called: Early infantile epileptic encephalopathy 14. Identifiers: Orphanet 293181, MedGen C3554195, MONDO:0013989, OMIM 614959.

Submission:

Labcorp Genetics (formerly Invitae), Labcorp
Classification: Uncertain significance for Autosomal dominant nocturnal frontal lobe epilepsy 5; Developmental and epileptic encephalopathy, 14. Last evaluated: 2025-04-08. Review status: criteria provided, single submitter. Criteria: Invitae Variant Classification Sherloc (09022015). Collection method: clinical testing. Allele origin: germline.
Comment: This sequence change replaces glutamine, which is neutral and polar, with leucine, which is neutral and non-polar, at codon 109 of the KCNT1 protein (p.Gln109Leu). This variant is not present in population databases (gnomAD no frequency). This variant has not been reported in the literature in individuals affected with KCNT1-related conditions. Invitae Evidence Modeling of protein sequence and biophysical properties (such as structural, functional, and spatial information, amino acid conservation, physicochemical variation, residue mobility, and thermodynamic stability) indicates that this missense variant is expected to disrupt KCNT1 protein function with a positive predictive value of 80%. In summary, the available evidence is currently insufficient to determine the role of this variant in disease. Therefore, it has been classified as a Variant of Uncertain Significance.